The following is an entry in ClinVar:

NM_000455.5(STK11):c.751G>C (p.Gly251Arg)

Gene: STK11 (serine/threonine kinase 11; plus strand). Cytogenetic location: 19p13.3.
Variant type: single nucleotide variant.
Coding change: c.751G>C on transcript NM_000455.5 (MANE Select); coding-DNA position 751, G replaced by C.
Protein change: p.Gly251Arg; replaces glycine 251 with arginine.
Molecular consequence: missense variant. On other transcripts: non-coding transcript variant (1).
Genome position (GRCh38, 1-based): chr19:1,221,229, G>C. VCF-style: chr19-1221229-G-C. GRCh37 (hg19) VCF-style: chr19-1221228-G-C.
Other names: c.751G>C, p.Gly251Arg (NM_001407255.1); short protein forms G251R.
Identifiers: ClinVar variation 3643525 (VCV003643525.2).

ClinVar aggregate classification (germline): Uncertain significance (1 of 4 stars; one submission).

Conditions:
Peutz-Jeghers syndrome (PJS). Also called: POLYPOSIS, HAMARTOMATOUS INTESTINAL; POLYPS-AND-SPOTS SYNDROME; Peutz-Jeghers polyposis; Periorificial lentiginosis syndrome. Identifiers: Orphanet 2869, MedGen C0031269, MeSH D010580, MONDO:0008280, OMIM 175200.

Submission:

Labcorp Genetics (formerly Invitae), Labcorp
Classification: Uncertain significance for Peutz-Jeghers syndrome. Last evaluated: 2024-10-03. Review status: criteria provided, single submitter. Criteria: Invitae Variant Classification Sherloc (09022015). Collection method: clinical testing. Allele origin: germline.
Comment: This sequence change replaces glycine, which is neutral and non-polar, with arginine, which is basic and polar, at codon 251 of the STK11 protein (p.Gly251Arg). This variant is not present in population databases (gnomAD no frequency). This variant has not been reported in the literature in individuals affected with STK11-related conditions. Invitae Evidence Modeling of protein sequence and biophysical properties (such as structural, functional, and spatial information, amino acid conservation, physicochemical variation, residue mobility, and thermodynamic stability) has been performed for this missense variant. However, the output from this modeling did not meet the statistical confidence thresholds required to predict the impact of this variant on STK11 protein function. This variant disrupts the p.Gly251 amino acid residue in STK11. Other variant(s) that disrupt this residue have been determined to be pathogenic (internal data). This suggests that this residue is clinically significant, and that variants that disrupt this residue are likely to be disease-causing. In summary, the available evidence is currently insufficient to determine the role of this variant in disease. Therefore, it has been classified as a Variant of Uncertain Significance.